The following is an entry in ClinVar:

ClinVar aggregate classification (germline): Conflicting classifications of pathogenicity. Review status: criteria provided, conflicting classifications (1 of 4 stars). 4 submissions from 4 submitters: Uncertain significance (1); Benign (1); Likely benign (2). Last evaluated 2026-04-07.

Conditions:
LEPR-related disorder. Also called: LEPR-related condition; LEPR-related disorders.
Monogenic diabetes. Identifiers: Orphanet 183625, MedGen C3888631, MONDO:0015967.

Allele frequency attached by ClinVar (database versions not stated): gnomAD exomes 0.00004 and 0.00015; ExAC 0.00017; 1000 Genomes Project 30x 0.00031; 1000 Genomes Project 0.00040; gnomAD 0.00047 and 0.00054; TOPMed 0.00060; ESP Exome Variant Server 0.00069.
gnomAD v4.1: 138 of 1,613,254 alleles (0.0086%); highest among the groups gnomAD compares: African/African-American, 0.14%; no homozygotes.

Submissions (4):

PreventionGenetics, part of Exact Sciences
Classification: Likely benign for LEPR-related condition. Last evaluated: 2026-04-07. Review status: criteria provided, single submitter. Criteria: ACMG Guidelines, 2015. Collection method: clinical testing. Allele origin: germline.
Comment: This variant is classified as likely benign based on ACMG/AMP sequence variant interpretation guidelines (Richards et al. 2015 PMID: 25741868, with internal and published modifications).

Labcorp Genetics (formerly Invitae), Labcorp
Classification: Benign. Last evaluated: 2026-01-12. Review status: criteria provided, single submitter. Criteria: Invitae Variant Classification Sherloc (09022015). Collection method: clinical testing. Allele origin: germline.

Blueprint Genetics
Classification: Uncertain significance. Last evaluated: 2024-10-08. Review status: criteria provided, single submitter. Criteria: ACMG Guidelines, 2015. Collection method: clinical testing. Allele origin: germline.

Personalized Diabetes Medicine Program, University of Maryland School of Medicine
Classification: Likely benign for Monogenic diabetes. Last evaluated: 2018-10-12. Review status: criteria provided, single submitter. Criteria: ACMG Guidelines, 2015. Collection method: research. Allele origin: unknown. Observed: 1 variant allele, 1 heterozygote.
Comment: ACMG criteria: BP4 (REVEL 0.019 + 9 predictors), BS1 (MAF in gnomAD African pop 0.13%)= likely benign

NM_002303.6(LEPR):c.658G>A (p.Val220Ile)

Gene: LEPR (leptin receptor; plus strand). Cytogenetic location: 1p31.3.
Variant type: single nucleotide variant.
Coding change: c.658G>A on transcript NM_002303.6 (MANE Select); coding-DNA position 658, G replaced by A.
Protein change: p.Val220Ile; replaces valine 220 with isoleucine.
Molecular consequence: missense variant.
Genome position (GRCh38, 1-based): chr1:65,592,820, G>A. VCF-style: chr1-65592820-G-A. GRCh37 (hg19) VCF-style: chr1-66058503-G-A.
Other names: c.658G>A (NM_002303.5); c.658G>A, p.Val220Ile (NM_001198687.2, NM_001003679.3, NM_001003680.3 and 2 more transcripts); short protein forms V220I.
Identifiers: ClinVar variation 917428 (VCV000917428.10), dbSNP rs148349369, ClinGen allele CA894610.